The following is an entry in ClinVar:

ClinVar aggregate classification (germline): Pathogenic. Review status: reviewed by expert panel (3 of 4 stars). 17 submissions from 16 submitters: Pathogenic (1). 16 of the submissions do not count toward it. Last evaluated 2024-03-15.

Conditions:
Bleeding and platelet disorders.
ACVRL1-related disorder. Also called: ACVRL1-related disorders; ACVRL1-related condition.
Cardiovascular phenotype. Identifiers: MedGen CN230736.
Telangiectasia, hereditary hemorrhagic, type 2 (HHT2). Also called: Telangiectasia, hereditary hemorrhagic, type II; ACVRL1-Related Hereditary Hemorrhagic Telangiectasia. Identifiers: Orphanet 774, MedGen C1838163, MONDO:0010880, OMIM 600376. Disease mechanism: loss of function.
Pulmonary arterial hypertension related to hereditary hemorrhagic telangiectasia. Also called: PULMONARY ARTERIAL HYPERTENSION, HEREDITARY HEMORRHAGIC TELANGIECTASIA-RELATED. Identifiers: MedGen C1832529.

Allele frequency attached by ClinVar (database versions not stated): gnomAD exomes below 0.00001 and 0.00001; ExAC 0.00001.
gnomAD v4.1: 2 of 1,614,040 alleles (0.00012%); highest among the groups gnomAD compares: Non-Finnish European, 0.00017%; no homozygotes.

Submissions 1 to 8 of 17:

ClinGen Hereditary Hemorrhagic Telangiectasia Variant Curation Expert Panel, ClinGen
Classification: Pathogenic for Telangiectasia, hereditary hemorrhagic, type 2. Last evaluated: 2024-03-15. Review status: reviewed by expert panel. Criteria: ClinGen HHT ACMG Specifications ACVRL1 V1.1.0. Collection method: curation. Allele origin: germline. Inheritance: Autosomal dominant inheritance.
Comment: The NM_000020.3: c.1232G>A variant in ACVRL1 is a missense variant predicted to cause substitution of arginine by glutamine at amino acid 411 (p.Arg411Gln). The overall minor allele frequency in gnomAD v2.1.1 is 0.000007980 (2/250642 alleles), which is lower than the ClinGen Hereditary Hemorrhagic Telangiectasia VCEP threshold (<6 total alleles) for PM2_Supporting, meeting this criterion (PM2_Supporting). This variant has been reported in >10 probands with a phenotype consistent with HHT (PS4; PMID: 8640225, 31400083, 32300199, Internal lab contributors). At least one patient's phenotype meets Curacao Criteria for HHT, and sequencing and large deletion/duplication analysis was performed for ENG and ACVRL1, which is highly specific for HHT (PP4_Moderate; PMID: 32300199). The variant has been reported to segregate with HHT in 8 affected family members from one family (PP1_Strong; PMID: 8640225). The computational predictor REVEL gives a score of 0.904, which is above the threshold of greater than or equal to 0.644, evidence that correlates with impact to ACVRL1 function (PP3). Additionally, binding assays in cell lines showed no BMP9 response indicating that this variant impacts protein function (PS3_Supporting; PMID: 20501893). In summary, this variant meets the criteria to be classified as pathogenic for autosomal dominant hereditary hemorrhagic telangiectasia based on the ACMG/AMP criteria applied, as specified by the ClinGen Hereditary Hemorrhagic Telangiectasia Variant Curation Expert Panel: PS4, PP1_Strong, PP4_Moderate, PM2_Supporting, PP3, PS3_Supporting (specification version 1.0.0; 1/4/2024).

Labcorp Genetics (formerly Invitae), Labcorp
Classification: Pathogenic for Telangiectasia, hereditary hemorrhagic, type 2. Last evaluated: 2025-12-21. Review status: criteria provided, single submitter. Criteria: Invitae Variant Classification Sherloc (09022015). Collection method: clinical testing. Allele origin: germline. Not counted in ClinVar's aggregate classification.
Comment: This sequence change replaces arginine, which is basic and polar, with glutamine, which is neutral and polar, at codon 411 of the ACVRL1 protein (p.Arg411Gln). This variant is present in population databases (rs121909284, gnomAD 0.007%). This missense change has been observed in individuals with hereditary hemorrhagic telangiectasia (HHT) (PMID: 8640225, 15024723, 20414677, 23805858). It has also been observed to segregate with disease in related individuals. ClinVar contains an entry for this variant (Variation ID: 8243). Invitae Evidence Modeling of protein sequence and biophysical properties (such as structural, functional, and spatial information, amino acid conservation, physicochemical variation, residue mobility, and thermodynamic stability) indicates that this missense variant is expected to disrupt ACVRL1 protein function with a positive predictive value of 95%. Experimental studies have shown that this missense change affects ACVRL1 function (PMID: 14684682, 20501893). This variant disrupts the p.Arg411 amino acid residue in ACVRL1. Other variant(s) that disrupt this residue have been determined to be pathogenic (PMID: 15024723, 20501893). This suggests that this residue is clinically significant, and that variants that disrupt this residue are likely to be disease-causing. For these reasons, this variant has been classified as Pathogenic.

North West Genomic Laboratory Hub, Manchester University NHS Foundation Trust
Classification: Pathogenic for Bleeding and platelet disorders. Last evaluated: 2025-12-01. Review status: criteria provided, single submitter. Criteria: ACGS Best Practice Guidelines for Variant Classification in Rare Disease 2024. Collection method: clinical testing. Allele origin: germline. Affected: yes. Not counted in ClinVar's aggregate classification.
Comment: PP1_Str PS4_Str PM2_Supp PP4_Mod PS3_Supp PP3_Supp

ARUP Laboratories, Molecular Genetics and Genomics, ARUP Laboratories
Classification: Pathogenic for Telangiectasia, hereditary hemorrhagic, type 2. Last evaluated: 2025-07-18. Review status: criteria provided, single submitter. Criteria: ARUP Molecular Germline Variant Investigation Process 2024. Collection method: clinical testing. Allele origin: germline. Not counted in ClinVar's aggregate classification.
Comment: The ACVRL1 c.1232G>A; p.Arg411Gln variant (rs121909284) has been reported in ClinVar (Variation ID: 8243), and described in the literature in multiple families with hereditary hemorrhagic telangiectasia (HHT) (Harrison 2003, Lesca 2004, Zhao 2019). In one family, the variant was shown to co-segregate with HHT (Johnson 1996). This variant is only observed on two alleles in the Genome Aggregation Database (v2.1.1), indicating it is not a common polymorphism. Additionally, this variant has been shown to have defective BMP9 ligand signaling (Ricard 2010). Computational analyses predict that this variant is deleterious (REVEL: 0.904). Based on available information, this variant is considered to be pathogenic. References: Harrison RE et al. (2003) Molecular and functional analysis identifies ALK-1 as the predominant cause of pulmonary hypertension related to hereditary haemorrhagic telangiectasia. J Med Genet. 40(12):865-71. PMID: 14684682. Johnson DW et al. (1996) Mutations in the activin receptor-like kinase 1 gene in hereditary haemorrhagic telangiectasia type 2. Nat Genet. 13(2):189-95. PMID: 8640225. Lesca G et al. (2004) Molecular screening of ALK1/ACVRL1 and ENG genes in hereditary hemorrhagic telangiectasia in France. Hum Mutat. 23(4):289-99. PMID: 15024723. Ricard N et al. (2010) Functional analysis of the BMP9 response of ALK1 mutants from HHT2 patients: a diagnostic tool for novel ACVRL1 mutations. Blood. 116(9):1604-12. PMID: 20501893. Zhao Y et al. Variant analysis in Chinese families with hereditary hemorrhagic telangiectasia. Mol Genet Genomic Med. 2019 Sep;7(9):e893. PMID: 31400083.

Blueprint Genetics
Classification: Pathogenic for ACVRL1-related disorders. Last evaluated: 2024-07-03. Review status: criteria provided, single submitter. Criteria: ACMG Guidelines, 2015. Collection method: clinical testing. Allele origin: germline. Affected: yes. Observed: 5 variant alleles. Not counted in ClinVar's aggregate classification.

3billion
Classification: Pathogenic for Telangiectasia, hereditary hemorrhagic, type 2. Last evaluated: 2024-01-12. Review status: criteria provided, single submitter. Criteria: ACMG Guidelines, 2015. Collection method: clinical testing. Allele origin: germline. Affected: yes. Not counted in ClinVar's aggregate classification.
Comment: The variant is observed at an extremely low frequency in the gnomAD v2.1.1 dataset (total allele frequency: <0.001%). Predicted Consequence/Location: The variant is located in a mutational hot spot and/or well-established functional domain in which established pathogenic variants have been reported. Functional studies provide strong evidence of the variant having a damaging effect on the gene or gene product (PMID: 15024723, 20501893, 23805858). In silico tool predictions suggest damaging effect of the variant on gene or gene product [REVEL: 0.90 (>=0.6, sensitivity 0.68 and specificity 0.92); 3Cnet: 0.99 (>=0.6, sensitivity 0.72 and precision 0.9)]. Same nucleotide change resulting in same amino acid change has been previously reported as pathogenic/likely pathogenic with strong evidence (ClinVar ID: VCV000008243 /PMID: 8640225). The variant has been reported to co-segregate with the disease in at least 3 similarly affected relatives/individuals in the same family or similarly affected unrelated families (PMID: 8640225). Different missense changes at the same codon (p.Arg411Pro, p.Arg411Trp) have been reported as pathogenic/likely pathogenic with strong evidence (ClinVar ID: VCV000008251, VCV000008257 /PMID: 11484689, 15024723). Therefore, this variant is classified as Pathogenic according to the recommendation of ACMG/AMP guideline.

Mayo Clinic Laboratories, Mayo Clinic
Classification: Pathogenic. Last evaluated: 2023-02-28. Review status: criteria provided, single submitter. Criteria: ACMG Guidelines, 2015. Collection method: clinical testing. Allele origin: germline. Observed: 2 variant alleles. Not counted in ClinVar's aggregate classification.
Comment: PP3, PM1, PM2_supporting, PS3, PS4

GeneDx
Classification: Pathogenic. Last evaluated: 2023-02-24. Review status: criteria provided, single submitter. Criteria: GeneDx Variant Classification Process June 2021. Collection method: clinical testing. Allele origin: germline. Affected: yes. Not counted in ClinVar's aggregate classification.
Comment: Published functional studies demonstrate reduced ACVRL1 activity (Gu et al., 2006; Ricard et al., 2010; Laux et al., 2013); Not observed at significant frequency in large population cohorts (gnomAD); In silico analysis supports that this missense variant has a deleterious effect on protein structure/function; This variant is associated with the following publications: (PMID: 17384219, 15521985, 16754821, 25892364, 34872578, 20501893, 11802521, 12700602, 14684682, 18673552, 16540754, 16752392, 16470787, 16429404, 16282348, 23863480, 15611116, 20067780, 28652319, 15024723, 9245985, 15880681, 12114496, 29743074, 31630786, 32503579, 34008892, 32300199, 33201366, 32573726, 8640225)

NM_000020.3(ACVRL1):c.1232G>A (p.Arg411Gln)

Gene: ACVRL1 (activin A receptor like type 1; plus strand). Cytogenetic location: 12q13.13.
Variant type: single nucleotide variant.
Coding change: c.1232G>A on transcript NM_000020.3 (MANE Select); coding-DNA position 1232, G replaced by A.
Protein change: p.Arg411Gln; replaces arginine 411 with glutamine.
Molecular consequence: missense variant.
Genome position (GRCh38, 1-based): chr12:51,916,219, G>A. VCF-style: chr12-51916219-G-A. GRCh37 (hg19) VCF-style: chr12-52310003-G-A.
Other names: NM_000020.3(ACVRL1):c.1232G>A; c.1232G>A, p.Arg411Gln (NM_001077401.2); short protein forms R411Q.
Identifiers: ClinVar variation 8243 (VCV000008243.73), dbSNP rs121909284, ClinGen allele CA119395.